The following is an entry in ClinVar:

ClinVar aggregate classification (germline): Pathogenic. Review status: reviewed by expert panel (3 of 4 stars). 2 submissions from 2 submitters: Pathogenic (1). 1 of the submissions does not count toward it. Last evaluated 2016-09-08.

Conditions:
Breast-ovarian cancer, familial, susceptibility to, 1 (BROVCA1). Also called: BRCA1 Hereditary Breast and Ovarian Cancer; OVARIAN CANCER, SUSCEPTIBILITY TO. Identifiers: Orphanet 145, MedGen C2676676, MONDO:0011450, OMIM 604370. Disease mechanism: loss of function.

Submissions (2):

Evidence-based Network for the Interpretation of Germline Mutant Alleles (ENIGMA)
Classification: Pathogenic for Breast-ovarian cancer, familial, susceptibility to, 1. Last evaluated: 2016-09-08. Review status: reviewed by expert panel. Criteria: ENIGMA BRCA1/2 Classification Criteria (2015). Collection method: curation. Allele origin: germline.
Comment: Variant allele predicted to encode a truncated non-functional protein.

Consortium of Investigators of Modifiers of BRCA1/2 (CIMBA), c/o University of Cambridge
Classification: Pathogenic for Breast-ovarian cancer, familial, susceptibility to, 1. Last evaluated: 2015-10-02. Review status: criteria provided, single submitter. Criteria: CIMBA Mutation Classification guidelines May 2016. Collection method: clinical testing. Allele origin: germline. Not counted in ClinVar's aggregate classification.

NM_007294.4(BRCA1):c.3494_3495del (p.Phe1165fs)

Genes: BRCA1 (BRCA1 DNA repair associated; minus strand), LOC126862571 (BRD4-independent group 4 enhancer GRCh37_chr17:41243136-41244335; plus strand). Cytogenetic location: 17q21.31.
Variant type: Deletion.
Coding change: c.3494_3495del on transcript NM_007294.4 (MANE Select); coding-DNA positions 3494 to 3495, 2 bases deleted (TT; older notation c.3494_3495delTT).
Protein change: p.Phe1165fs; shifts the reading frame from phenylalanine 1165.
Molecular consequence: frameshift variant. On other transcripts: intron variant (135).
Genome position (GRCh38, 1-based): chr17:43,092,036-43,092,037, AA deleted on the plus strand (TT on the coding strand, the reverse complement: BRCA1 is on the minus strand); deleting any 2 consecutive bases within chr17:43,092,036-43,092,039 gives the same sequence; the c. name uses the placement nearest the transcript's 3' end. VCF-style (leftmost placement, unchanged base first): chr17-43092035-CAA-C. GRCh37 (hg19) VCF-style: chr17-41244052-CAA-C.
Other names: c.3494_3495del, p.Phe1165fs (NM_001407639.1, NM_001407640.1, NM_001407641.1 and 30 more transcripts); c.3491_3492del, p.Phe1164fs (NM_001407644.1, NM_001407645.1, NM_001407860.1 and 22 more transcripts); c.3485_3486del, p.Phe1162fs (NM_001407646.1, NM_001407647.1); c.3371_3372del, p.Phe1124fs (NM_001407648.1, NM_001407664.1, NM_001407665.1 and 19 more transcripts); c.3368_3369del, p.Phe1123fs (NM_001407649.1, NM_001407670.1, NM_001407671.1 and 11 more transcripts); c.3416_3417del, p.Phe1139fs (NM_001407653.1, NM_001407654.1, NM_001407655.1 and 4 more transcripts); c.3413_3414del, p.Phe1138fs (NM_001407659.1, NM_001407660.1, NM_001407661.1 and 1 more transcripts); c.3353_3354del, p.Phe1118fs (NM_001407692.1, NM_001407694.1, NM_001407695.1 and 29 more transcripts); and 42 more; short protein forms F1118fs, F1165fs, F1053fs, F1054fs, F1098fs, F1138fs, F1124fs, F1139fs.
Identifiers: ClinVar variation 54901 (VCV000054901.5), dbSNP rs397509076, ClinGen allele CA002250.